The following is an entry in ClinVar:

NM_001394998.1(TANC2):c.3861TGT[2] (p.Val1290del)

Genes: TANC2 (tetratricopeptide repeat, ankyrin repeat and coiled-coil containing 2; plus strand), LOC105371856 (uncharacterized LOC105371856; minus strand). Cytogenetic location: 17q23.3.
Variant type: Microsatellite.
Coding change: c.3861TGT[2] on transcript NM_001394998.1 (MANE Select); two copies in a row of the 3-base unit TGT starting at c.3861; the reference has three copies in a row; one copy, 3 bases deleted.
Protein change: p.Val1290del; deletes valine 1290.
Molecular consequence: inframe deletion.
Genome position (GRCh38, 1-based): chr17:63,412,099-63,412,101, TGT deleted; deleting any 3 consecutive bases within chr17:63,412,093-63,412,101 gives the same sequence; the position shown is the placement nearest the transcript's 3' end. VCF-style (leftmost placement, unchanged base first): chr17-63412092-CTGT-C. GRCh37 (hg19) VCF-style: chr17-61489453-CTGT-C.
Other names: c.3639TGT[2], p.Val1216del (NM_001411076.1, NM_025185.4); short protein forms V1216del, V1290del.
Identifiers: ClinVar variation 2501911 (VCV002501911.1), dbSNP rs1567998133, ClinGen allele CA626837866.

ClinVar aggregate classification (germline): Uncertain significance (1 of 4 stars; one submission).

Submission:

GeneDx
Classification: Uncertain significance. Last evaluated: 2022-11-11. Review status: criteria provided, single submitter. Criteria: GeneDx Variant Classification Process June 2021. Collection method: clinical testing. Allele origin: germline. Affected: yes.
Comment: In-frame deletion of 1 amino acids in a non-repeat region; In silico analysis supports a deleterious effect on protein structure/function; Has not been previously published as pathogenic or benign to our knowledge